The following is an entry in ClinVar:

NM_003002.4(SDHD):c.460G>A (p.Ala154Thr)

Gene: SDHD (succinate dehydrogenase complex subunit D; plus strand). Cytogenetic location: 11q23.1.
Variant type: single nucleotide variant.
Coding change: c.460G>A on transcript NM_003002.4 (MANE Select); coding-DNA position 460, G replaced by A.
Protein change: p.Ala154Thr; replaces alanine 154 with threonine.
Molecular consequence: missense variant. On other transcripts: 3 prime UTR variant (2), non-coding transcript variant (1).
Genome position (GRCh38, 1-based): chr11:112,094,950, G>A. VCF-style: chr11-112094950-G-A. GRCh37 (hg19) VCF-style: chr11-111965674-G-A.
Other names: c.*57G>A (NM_001276503.2); c.343G>A, p.Ala115Thr (NM_001276504.2); c.*158G>A (NM_001276506.2); short protein forms A115T, A154T.
Identifiers: ClinVar variation 3386002 (VCV003386002.1).

ClinVar aggregate classification (germline): Uncertain significance (1 of 4 stars; one submission).

Conditions:
Hereditary pheochromocytoma and paraganglioma. Also called: Hereditary Paraganglioma-Pheochromocytoma Syndromes; Hereditary pheochromocytoma-paraganglioma; Hereditary paragangliomas and pheochromocytomas. Identifiers: Orphanet 29072, MedGen C4274332, MONDO:0017366.

Submission:

All of Us Research Program, National Institutes of Health
Classification: Uncertain significance for Hereditary pheochromocytoma and paraganglioma. Last evaluated: 2024-03-24. Review status: criteria provided, single submitter. Criteria: ACMG Guidelines, 2015. Collection method: clinical testing. Allele origin: germline. Inheritance: Autosomal dominant inheritance. Observed: 1 variant allele, 1 heterozygote.
Comment: This missense variant replaces alanine with threonine at codon 154 of the SDHD protein. Computational prediction is inconclusive regarding the impact of this variant on protein structure and function (internally defined REVEL score threshold 0.5 < inconclusive < 0.7, PMID: 27666373). To our knowledge, functional studies have not been reported for this variant. This variant has not been reported in individuals affected with SDHD-related disorders in the literature. This variant has not been identified in the general population by the Genome Aggregation Database (gnomAD). The available evidence is insufficient to determine the role of this variant in disease conclusively. Therefore, this variant is classified as a Variant of Uncertain Significance.

This study involves interpretation of variants in research participants for the purpose of population health screening. Participant phenotype was not available at the time of variant classification. Additional details can be found in publication PMID: 35346344, PMCID: PMC8962531